The following is an entry in ClinVar:

NM_001130009.3(GEN1):c.325C>T (p.His109Tyr)

Gene: GEN1 (GEN1 Holliday junction 5' flap endonuclease; plus strand). Cytogenetic location: 2p24.2.
Variant type: single nucleotide variant.
Coding change: c.325C>T on transcript NM_001130009.3 (MANE Select); coding-DNA position 325, C replaced by T.
Protein change: p.His109Tyr; replaces histidine 109 with tyrosine.
Molecular consequence: missense variant.
Genome position (GRCh38, 1-based): chr2:17,761,559, C>T. VCF-style: chr2-17761559-C-T. GRCh37 (hg19) VCF-style: chr2-17942826-C-T.
Other names: c.325C>T, p.His109Tyr (NM_182625.5); short protein forms H109Y.
Identifiers: ClinVar variation 4029322 (VCV004029322.1).

ClinVar aggregate classification (germline): Uncertain significance (1 of 4 stars; one submission).

Submission:

Ambry Genetics
Classification: Uncertain significance. Last evaluated: 2025-05-31. Review status: criteria provided, single submitter. Criteria: Ambry Variant Classification Scheme 2023. Collection method: clinical testing. Allele origin: germline.
Comment: The p.H109Y variant (also known as c.325C>T), located in coding exon 2 of the GEN1 gene, results from a C to T substitution at nucleotide position 325. The histidine at codon 109 is replaced by tyrosine, an amino acid with similar properties. This amino acid position is conserved. In addition, this alteration is predicted to be tolerated by in silico analysis. Based on the available evidence, the clinical significance of this variant remains unclear.